The following is an entry in ClinVar:

NM_058216.3(RAD51C):c.517G>C (p.Ala173Pro)

Gene: RAD51C (RAD51 paralog C; plus strand). Cytogenetic location: 17q22.
Variant type: single nucleotide variant.
Coding change: c.517G>C on transcript NM_058216.3 (MANE Select); coding-DNA position 517, G replaced by C.
Protein change: p.Ala173Pro; replaces alanine 173 with proline.
Molecular consequence: missense variant.
Genome position (GRCh38, 1-based): chr17:58,696,805, G>C. VCF-style: chr17-58696805-G-C. GRCh37 (hg19) VCF-style: chr17-56774166-G-C.
Other names: short protein forms A173P.
Identifiers: ClinVar variation 4745512 (VCV004745512.2).

ClinVar aggregate classification (germline): Uncertain significance. Review status: criteria provided, multiple submitters, no conflicts (2 of 4 stars). 2 submissions from 2 submitters: Uncertain significance (2). Last evaluated 2025-04-17.

Conditions:
Fanconi anemia complementation group O. Also called: RAD51C-Related Fanconi Anemia. Identifiers: Orphanet 84, MedGen C3150653, MONDO:0013248, OMIM 613390.

Submissions (2):

Labcorp Genetics (formerly Invitae), Labcorp
Classification: Uncertain significance for Fanconi anemia complementation group O. Last evaluated: 2025-04-17. Review status: criteria provided, single submitter. Criteria: Invitae Variant Classification Sherloc (09022015). Collection method: clinical testing. Allele origin: germline.
Comment: This sequence change replaces alanine, which is neutral and non-polar, with proline, which is neutral and non-polar, at codon 173 of the RAD51C protein (p.Ala173Pro). This variant is not present in population databases (gnomAD no frequency). This variant has not been reported in the literature in individuals affected with RAD51C-related conditions. Invitae Evidence Modeling of protein sequence and biophysical properties (such as structural, functional, and spatial information, amino acid conservation, physicochemical variation, residue mobility, and thermodynamic stability) indicates that this missense variant is expected to disrupt RAD51C protein function with a positive predictive value of 80%. In summary, the available evidence is currently insufficient to determine the role of this variant in disease. Therefore, it has been classified as a Variant of Uncertain Significance.

Blueprint Genetics
Classification: Uncertain significance. Last evaluated: 2024-03-20. Review status: criteria provided, single submitter. Criteria: ACMG Guidelines, 2015. Collection method: clinical testing. Allele origin: germline.